The following is an entry in ClinVar:

NM_001130823.3(DNMT1):c.2233A>G (p.Asn745Asp)

Gene: DNMT1 (DNA methyltransferase 1; minus strand). Cytogenetic location: 19p13.2.
Variant type: single nucleotide variant.
Coding change: c.2233A>G on transcript NM_001130823.3 (MANE Select); coding-DNA position 2233, A replaced by G.
Protein change: p.Asn745Asp; replaces asparagine 745 with aspartic acid.
Molecular consequence: missense variant.
Genome position (GRCh38, 1-based): chr19:10,151,430, T>C on the plus strand (A>G on the coding strand, the complement: DNMT1 is on the minus strand). VCF-style: chr19-10151430-T-C. GRCh37 (hg19) VCF-style: chr19-10262106-T-C.
Other names: c.2185A>G, p.Asn729Asp (NM_001318730.2, NM_001379.4); c.1870A>G, p.Asn624Asp (NM_001318731.2); short protein forms N624D, N729D, N745D.
Identifiers: ClinVar variation 3625155 (VCV003625155.2).

ClinVar aggregate classification (germline): Uncertain significance (1 of 4 stars; one submission).

Conditions:
Hereditary sensory neuropathy-deafness-dementia syndrome. Also called: NEUROPATHY, HEREDITARY SENSORY, WITH HEARING LOSS AND DEMENTIA; HSN IE; Hereditary sensory neuropathy type IE; Hereditary Sensory and Autonomic Neuropathy Type 1E (HSAN1E). Identifiers: Orphanet 456318, MedGen C3279885, MONDO:0013584, OMIM 614116.

gnomAD v4.1: 4 of 1,614,028 alleles (0.00025%); highest among the groups gnomAD compares: Admixed American, 0.0033%; no homozygotes.

Submission:

Labcorp Genetics (formerly Invitae), Labcorp
Classification: Uncertain significance for Hereditary sensory neuropathy-deafness-dementia syndrome. Last evaluated: 2024-09-10. Review status: criteria provided, single submitter. Criteria: Invitae Variant Classification Sherloc (09022015). Collection method: clinical testing. Allele origin: germline.
Comment: This sequence change replaces asparagine, which is neutral and polar, with aspartic acid, which is acidic and polar, at codon 745 of the DNMT1 protein (p.Asn745Asp). This variant is present in population databases (no rsID available, gnomAD 0.003%). This variant has not been reported in the literature in individuals affected with DNMT1-related conditions. Invitae Evidence Modeling of protein sequence and biophysical properties (such as structural, functional, and spatial information, amino acid conservation, physicochemical variation, residue mobility, and thermodynamic stability) indicates that this missense variant is not expected to disrupt DNMT1 protein function with a negative predictive value of 80%. In summary, the available evidence is currently insufficient to determine the role of this variant in disease. Therefore, it has been classified as a Variant of Uncertain Significance.